The following is an entry in ClinVar:

NM_017837.4(PIGV):c.87C>G (p.Phe29Leu)

Gene: PIGV (phosphatidylinositol glycan anchor biosynthesis class V; plus strand). Cytogenetic location: 1p36.11.
Variant type: single nucleotide variant.
Coding change: c.87C>G on transcript NM_017837.4 (MANE Select); coding-DNA position 87, C replaced by G.
Protein change: p.Phe29Leu; replaces phenylalanine 29 with leucine.
Molecular consequence: missense variant. On other transcripts: 5 prime UTR variant (1), non-coding transcript variant (2), intron variant (1).
Genome position (GRCh38, 1-based): chr1:26,794,121, C>G. VCF-style: chr1-26794121-C-G. GRCh37 (hg19) VCF-style: chr1-27120612-C-G.
Other names: c.87C>G, p.Phe29Leu (NM_001202554.2, NM_001374478.1, NM_001374480.1 and 4 more transcripts); c.-295C>G (NM_001374483.1); c.78+3228C>G (NM_001374486.1); short protein forms F29L.
Identifiers: ClinVar variation 2155564 (VCV002155564.1), dbSNP rs764728447, ClinGen allele CA707993.

ClinVar aggregate classification (germline): Uncertain significance (1 of 4 stars; one submission).

Allele frequency attached by ClinVar (database versions not stated): TOPMed below 0.00001; ExAC 0.00001; gnomAD 0.00001.

Submission:

Labcorp Genetics (formerly Invitae), Labcorp
Classification: Uncertain significance. Last evaluated: 2022-08-15. Review status: criteria provided, single submitter. Criteria: Invitae Variant Classification Sherloc (09022015). Collection method: clinical testing. Allele origin: germline.
Comment: This sequence change replaces phenylalanine, which is neutral and non-polar, with leucine, which is neutral and non-polar, at codon 29 of the PIGV protein (p.Phe29Leu). This variant is present in population databases (rs764728447, gnomAD 0.002%). This variant has not been reported in the literature in individuals affected with PIGV-related conditions. Algorithms developed to predict the effect of missense changes on protein structure and function (SIFT, PolyPhen-2, Align-GVGD) all suggest that this variant is likely to be tolerated. In summary, the available evidence is currently insufficient to determine the role of this variant in disease. Therefore, it has been classified as a Variant of Uncertain Significance.